The following is an entry in ClinVar:

NM_194279.4(ISCA2):c.329C>A (p.Ser110Tyr)

Gene: ISCA2 (iron-sulfur cluster assembly 2; plus strand). Cytogenetic location: 14q24.3.
Variant type: single nucleotide variant.
Coding change: c.329C>A on transcript NM_194279.4 (MANE Select); coding-DNA position 329, C replaced by A.
Protein change: p.Ser110Tyr; replaces serine 110 with tyrosine.
Molecular consequence: missense variant. On other transcripts: 3 prime UTR variant (1).
Genome position (GRCh38, 1-based): chr14:74,494,864, C>A. VCF-style: chr14-74494864-C-A. GRCh37 (hg19) VCF-style: chr14-74961567-C-A.
Other names: c.*30C>A (NM_001272007.2); short protein forms S110Y.
Identifiers: ClinVar variation 2038283 (VCV002038283.4), dbSNP rs2506120695, ClinGen allele CA390380040.

ClinVar aggregate classification (germline): Uncertain significance (1 of 4 stars; one submission).

Submission:

Labcorp Genetics (formerly Invitae), Labcorp
Classification: Uncertain significance. Last evaluated: 2025-06-09. Review status: criteria provided, single submitter. Criteria: Invitae Variant Classification Sherloc (09022015). Collection method: clinical testing. Allele origin: germline.
Comment: This sequence change replaces serine, which is neutral and polar, with tyrosine, which is neutral and polar, at codon 110 of the ISCA2 protein (p.Ser110Tyr). This variant is not present in population databases (gnomAD no frequency). This variant has not been reported in the literature in individuals affected with ISCA2-related conditions. ClinVar contains an entry for this variant (Variation ID: 2038283). An algorithm developed to predict the effect of missense changes on protein structure and function (PolyPhen-2) suggests that this variant is likely to be disruptive. In summary, the available evidence is currently insufficient to determine the role of this variant in disease. Therefore, it has been classified as a Variant of Uncertain Significance.